The following is an entry in ClinVar:

NM_004260.4(RECQL4):c.727C>T (p.Gln243Ter)

Gene: RECQL4 (RecQ like helicase 4; minus strand). Cytogenetic location: 8q24.3.
Variant type: single nucleotide variant.
Coding change: c.727C>T on transcript NM_004260.4 (MANE Select); coding-DNA position 727, C replaced by T.
Protein change: p.Gln243Ter; replaces glutamine 243 with a stop codon.
Molecular consequence: nonsense.
Genome position (GRCh38, 1-based): chr8:144,516,392, G>A on the plus strand (C>T on the coding strand, the complement: RECQL4 is on the minus strand). VCF-style: chr8-144516392-G-A. GRCh37 (hg19) VCF-style: chr8-145741776-G-A.
Other names: short protein forms Q243*.
Identifiers: ClinVar variation 1454091 (VCV001454091.8), dbSNP rs1345625725, ClinGen allele CA372689501.

ClinVar aggregate classification (germline): Pathogenic/Likely pathogenic. Review status: criteria provided, multiple submitters, no conflicts (2 of 4 stars). 2 submissions from 2 submitters: Pathogenic (1); Likely pathogenic (1). Last evaluated 2025-10-29.

Conditions:
Baller-Gerold syndrome (BGS). Also called: CRANIOSYNOSTOSIS WITH RADIAL DEFECTS. Identifiers: Orphanet 1225, MedGen C0265308, MONDO:0009039, OMIM 218600.

Allele frequency attached by ClinVar (database versions not stated): TOPMed 0.00002; gnomAD 0.00001.

Submissions (2):

Dasa
Classification: Likely pathogenic. Last evaluated: 2025-10-29. Review status: criteria provided, single submitter. Criteria: DASA Assertion Criteria. Collection method: clinical testing. Allele origin: germline.
Comment: NM_004260.4(RECQL4):c.727C>T (p.Gln243*) is a nonsense variant in RECQL4 predicted to introduce a premature termination codon and is predicted to result in an absent or altered protein product. Loss of function is an established disease mechanism for RECQL4-associated disorders. Also, this variant is rare in population databases. Based on the currently available evidence, this variant is classified as likely pathogenic.

Labcorp Genetics (formerly Invitae), Labcorp
Classification: Pathogenic for Baller-Gerold syndrome. Last evaluated: 2024-07-03. Review status: criteria provided, single submitter. Criteria: Invitae Variant Classification Sherloc (09022015). Collection method: clinical testing. Allele origin: germline.
Comment: This sequence change creates a premature translational stop signal (p.Gln243*) in the RECQL4 gene. It is expected to result in an absent or disrupted protein product. Loss-of-function variants in RECQL4 are known to be pathogenic (PMID: 12734318, 12952869). This variant is present in population databases (no rsID available, gnomAD 0.01%). This variant has not been reported in the literature in individuals affected with RECQL4-related conditions. ClinVar contains an entry for this variant (Variation ID: 1454091). For these reasons, this variant has been classified as Pathogenic.

Literature cited by the submitters: PubMed 12734318 (cited by Labcorp Genetics (formerly Invitae), Labcorp); PubMed 12952869 (cited by Labcorp Genetics (formerly Invitae), Labcorp).